The following is an entry in ClinVar:

NM_006796.3(AFG3L2):c.840G>A (p.Arg280=)

Gene: AFG3L2 (AFG3 like matrix AAA peptidase subunit 2; minus strand). Cytogenetic location: 18p11.21.
Variant type: single nucleotide variant.
Coding change: c.840G>A on transcript NM_006796.3 (MANE Select); coding-DNA position 840, G replaced by A.
Protein change: p.Arg280=; no amino-acid change (arginine 280 retained).
Molecular consequence: synonymous variant.
Genome position (GRCh38, 1-based): chr18:12,358,856, C>T on the plus strand (G>A on the coding strand, the complement: AFG3L2 is on the minus strand). VCF-style: chr18-12358856-C-T. GRCh37 (hg19) VCF-style: chr18-12358855-C-T.
Identifiers: ClinVar variation 1977621 (VCV001977621.27), dbSNP rs894887905, ClinGen allele CA296706751.
Genomic context (GRCh38, chr18:12,358,856, plus strand): 5'-CTTTAAGACCTTGGCAGTGGTTTCTCCGACACTGAAGAGTCCGCCCATCCCTCGGCCTGT[C>T]CGGCCAATGCCAGCAGGCCCTCTTCTGATGGTGTAGAGCAAGAAGGCGATGATGAGCACC-3'
Protein context (NP_006787.2, residues 270-290): TIRRGPAGIG[Arg280=]TGRGMGGLFS

ClinVar aggregate classification (germline): Likely benign. Review status: criteria provided, multiple submitters, no conflicts (2 of 4 stars). 2 submissions from 2 submitters: Likely benign (2). Last evaluated 2024-01-01.

Allele frequency attached by ClinVar (database versions not stated): gnomAD exomes below 0.00001.
gnomAD v4.1: 1 of 1,614,250 alleles (0.000062%); highest among the groups gnomAD compares: Non-Finnish European, 0.000085%; no homozygotes.

Submissions (2):

CeGaT Center for Human Genetics Tuebingen
Classification: Likely benign. Last evaluated: 2024-01-01. Review status: criteria provided, single submitter. Criteria: CeGaT Center For Human Genetics Tuebingen Variant Classification Criteria Version 2. Collection method: clinical testing. Allele origin: germline. Affected: yes. Observed: 1 variant allele.
Comment: AFG3L2: PM2:Supporting, BP4, BP7

Labcorp Genetics (formerly Invitae), Labcorp
Classification: Likely benign. Last evaluated: 2023-06-29. Review status: criteria provided, single submitter. Criteria: Invitae Variant Classification Sherloc (09022015). Collection method: clinical testing. Allele origin: germline.